The following is an entry in ClinVar:

NM_005055.5(RAPSN):c.794C>T (p.Ala265Val)

Gene: RAPSN (receptor associated protein of the synapse; minus strand). Cytogenetic location: 11p11.2.
Variant type: single nucleotide variant.
Coding change: c.794C>T on transcript NM_005055.5 (MANE Select); coding-DNA position 794, C replaced by T.
Protein change: p.Ala265Val; replaces alanine 265 with valine.
Molecular consequence: missense variant. On other transcripts: intron variant (1).
Genome position (GRCh38, 1-based): chr11:47,441,729, G>A on the plus strand (C>T on the coding strand, the complement: RAPSN is on the minus strand). VCF-style: chr11-47441729-G-A. GRCh37 (hg19) VCF-style: chr11-47463281-G-A.
Other names: c.789+94C>T (NM_032645.5); short protein forms A265V.
Identifiers: ClinVar variation 692283 (VCV000692283.3), dbSNP rs1040279711, ClinGen allele CA380329822.
Genomic context (GRCh38, chr11:47,441,729, plus strand): 5'-TGCCCCAGGCGGTTTCCGATCTCGGTCATGATGCTCATGGCGGAGTCGTACCTGGGGAAG[G>A]CTGTCTGCAGAGCCAGGTGGGGGATGGAATCAGGCTGTATCAGGCCTGTGCCCCTGCCCC-3'
Protein context (NP_005046.2, residues 255-275): IHRSRGDLET[Ala265Val]FPRYDSAMSI

ClinVar aggregate classification (germline): Conflicting classifications of pathogenicity. Review status: criteria provided, conflicting classifications (1 of 4 stars). 2 submissions from 2 submitters: Likely pathogenic (1); Uncertain significance (1). Last evaluated 2019-06-28.

Conditions:
Fetal akinesia deformation sequence 2. Identifiers: MedGen C4760576, MONDO:0100102, OMIM 618388.
Fetal akinesia deformation sequence 1 (FADS1). Also called: Pena-Shokeir syndrome type I; Fetal akinesia sequence. Identifiers: Orphanet 994, MedGen C1276035, MONDO:0100101, OMIM 208150, HP:0001989.
Arthrogryposis multiplex congenita (AMC). Also called: Congenital multiple arthrogryposis; Fibrous ankylosis of multiple joints; Congenital arthromyodysplasia; Myodystrophia fetalis deformans; Otto syndrome; Rocher-Sheldon syndrome. Identifiers: Orphanet 1037, MedGen C5779613, MeSH D001176, MONDO:0015168, HP:0002804.

Submissions (2):

Cirak Lab, University Hospital Cologne
Classification: Likely pathogenic for Arthrogryposis multiplex congenita; Fetal akinesia sequence. Last evaluated: 2019-06-28. Review status: criteria provided, single submitter. Criteria: ACMG Guidelines, 2015. Collection method: research. Allele origin: paternal. Affected: yes. Observed: 1 variant allele.

Suma Genomics
Classification: Uncertain significance for Fetal akinesia deformation sequence 2. Review status: criteria provided, single submitter. Criteria: ACMG Guidelines, 2015. Collection method: clinical testing. Allele origin: germline. Inheritance: Autosomal recessive inheritance. Affected: yes. Observed: 1 homozygote.
Comment: A missense variant c.794C>T, p.(Ala265Val) is observed in exon 5 of RAPSN in homozygous state. This variant is observed in one individual in the gnomAD database in heterozygous state. This variant is reported in the ClinVar database as likely pathogenic (ClinVar accession: VCV000692283.2). In-silico analysis tool REVEL is consistent in predicting this variant to be disease- causing. ACMG classification: VUS Criteria applied: PM2_Supporting: Extremely low frequency in gnomAD population databases. PM3_Supporting: For recessive disorders, detected in trans with a pathogenic variant, or in a homozygous or compound heterozygous state in affected cases. PP3_Moderate: For a missense or a splicing region variant, computational prediction tools unanimously support a deleterious effect on the gene.

Literature cited by the submitters: PubMed 31680123 (cited by Cirak Lab, University Hospital Cologne).